The following is an entry in ClinVar:

NM_000651.6(CR1):c.345G>T (p.Val115=)

Gene: CR1 (complement C3b/C4b receptor 1 (Knops blood group); plus strand). Cytogenetic location: 1q32.2.
Variant type: single nucleotide variant.
Coding change: c.345G>T on transcript NM_000651.6 (MANE Select); coding-DNA position 345, G replaced by T.
Protein change: p.Val115=; no amino-acid change (valine 115 retained).
Molecular consequence: synonymous variant.
Genome position (GRCh38, 1-based): chr1:207,506,757, G>T. VCF-style: chr1-207506757-G-T. GRCh37 (hg19) VCF-style: chr1-207680102-G-T.
Other names: c.345G>T, p.Val115= (NM_000573.4, NM_001381851.1).
Identifiers: ClinVar variation 3067276 (VCV003067276.21), dbSNP rs3991748, ClinGen allele CA1369362.

ClinVar aggregate classification (germline): Likely benign (1 of 4 stars; one submission).

Allele frequency attached by ClinVar (database versions not stated): ESP Exome Variant Server 0.00008; ExAC 0.00116; 1000 Genomes Project 30x 0.00172; 1000 Genomes Project 0.00180.
gnomAD v4.1: 834 of 1,613,624 alleles (0.052%); highest among the groups gnomAD compares: South Asian, 0.83%; 19 homozygotes.

Submission:

CeGaT Center for Human Genetics Tuebingen
Classification: Likely benign. Last evaluated: 2024-03-01. Review status: criteria provided, single submitter. Criteria: CeGaT Center For Human Genetics Tuebingen Variant Classification Criteria Version 2. Collection method: clinical testing. Allele origin: germline. Affected: yes. Observed: 1 variant allele.
Comment: CR1: BP4, BP7, BS2